The following is an entry in ClinVar:

ClinVar aggregate classification (germline): Likely benign (0 of 4 stars; one submission).

Conditions:
WDFY4-related disorder. Also called: WDFY4-related condition.

Allele frequency attached by ClinVar (database versions not stated): 1000 Genomes Project 30x 0.00062; ESP Exome Variant Server 0.00088; 1000 Genomes Project 0.00060.

Submission:

PreventionGenetics, part of Exact Sciences
Classification: Likely benign for WDFY4-related condition. Last evaluated: 2022-03-28. Review status: no assertion criteria provided. Collection method: clinical testing. Allele origin: germline.
Comment: This variant is classified as likely benign based on ACMG/AMP sequence variant interpretation guidelines (Richards et al. 2015 PMID: 25741868, with internal and published modifications).

NM_001394531.1(WDFY4):c.833C>G (p.Thr278Ser)

Gene: WDFY4 (WDFY family member 4; plus strand). Cytogenetic location: 10q11.23.
Variant type: single nucleotide variant.
Coding change: c.833C>G on transcript NM_001394531.1 (MANE Select); coding-DNA position 833, C replaced by G.
Protein change: p.Thr278Ser; replaces threonine 278 with serine.
Molecular consequence: missense variant.
Genome position (GRCh38, 1-based): chr10:48,727,521, C>G. VCF-style: chr10-48727521-C-G. GRCh37 (hg19) VCF-style: chr10-49935566-C-G.
Other names: c.833C>G, p.Thr278Ser (NM_001370153.1, NM_001370154.1, NM_020945.2); short protein forms T278S.
Identifiers: ClinVar variation 3051079 (VCV003051079.2), dbSNP rs41281997, ClinGen allele CA5491859.